The following is an entry in ClinVar:

ClinVar aggregate classification (germline): Benign. Review status: criteria provided, multiple submitters, no conflicts (2 of 4 stars). 3 submissions from 3 submitters: Benign (3). Last evaluated 2023-11-12.

Allele frequency attached by ClinVar (database versions not stated): gnomAD exomes 0.38596; 1000 Genomes Project 0.41254; 1000 Genomes Project 30x 0.42942; gnomAD 0.50109 and 0.52091; TOPMed 0.50920.
gnomAD v4.1: 501,798 of 1,254,768 alleles (40%); highest among the groups gnomAD compares: African/African-American, 82%; 111,088 homozygotes.

Submissions (3):

Unidad de Genómica Garrahan, Hospital de Pediatría Garrahan
Classification: Benign. Last evaluated: 2023-11-12. Review status: criteria provided, single submitter. Criteria: ACMG Guidelines, 2015. Collection method: clinical testing. Allele origin: germline. Affected: no. Observed: 27 variant alleles.
Comment: This variant is classified as Benign based on local population frequency. This variant was detected in 28% of patients studied by a panel of primary immunodeficiencies. Number of patients: 27. Only high quality variants are reported.

GeneDx
Classification: Benign. Last evaluated: 2018-06-19. Review status: criteria provided, single submitter. Criteria: GeneDx Variant Classification (06012015). Collection method: clinical testing. Allele origin: germline. Affected: yes.
Comment: This variant is considered likely benign or benign based on one or more of the following criteria: it is a conservative change, it occurs at a poorly conserved position in the protein, it is predicted to be benign by multiple in silico algorithms, and/or has population frequency not consistent with disease.

Breakthrough Genomics
Classification: Benign. Review status: criteria provided, single submitter. Criteria: ACMG Guidelines, 2015. Collection method: not provided. Allele origin: germline. Inheritance: Autosomal recessive inheritance. Affected: yes.

NM_000081.4(LYST):c.8801+77G>A

Gene: LYST (lysosomal trafficking regulator; minus strand). Cytogenetic location: 1q42.3.
Variant type: single nucleotide variant.
Coding change: c.8801+77G>A on transcript NM_000081.4 (MANE Select); 77 bases into the intron after coding-DNA position 8801, G replaced by A.
Molecular consequence: intron variant.
Genome position (GRCh38, 1-based): chr1:235,733,426, C>T on the plus strand (G>A on the coding strand, the complement: LYST is on the minus strand). VCF-style: chr1-235733426-C-T. GRCh37 (hg19) VCF-style: chr1-235896726-C-T.
Other names: c.8801+77G>A (NM_001301365.1).
Identifiers: ClinVar variation 684360 (VCV000684360.4), dbSNP rs6429275, ClinGen allele CA10756584.